The following is an entry in ClinVar:

NM_139278.4(LGI3):c.110C>T (p.Pro37Leu)

Gene: LGI3 (leucine rich repeat LGI family member 3; minus strand). Cytogenetic location: 8p21.3.
Variant type: single nucleotide variant.
Coding change: c.110C>T on transcript NM_139278.4 (MANE Select); coding-DNA position 110, C replaced by T.
Protein change: p.Pro37Leu; replaces proline 37 with leucine.
Molecular consequence: missense variant.
Genome position (GRCh38, 1-based): chr8:22,156,433, G>A on the plus strand (C>T on the coding strand, the complement: LGI3 is on the minus strand). VCF-style: chr8-22156433-G-A. GRCh37 (hg19) VCF-style: chr8-22013946-G-A.
Other names: short protein forms P37L.
Identifiers: ClinVar variation 2629432 (VCV002629432.2), dbSNP rs759385759, ClinGen allele CA4663768.

ClinVar aggregate classification (germline): Uncertain significance. Review status: criteria provided, multiple submitters, no conflicts (2 of 4 stars). 2 submissions from 2 submitters: Uncertain significance (2). Last evaluated 2024-01-23.

Conditions:
LGI3-related disorder. Also called: LGI3-related condition.

Allele frequency attached by ClinVar (database versions not stated): ExAC 0.00002; gnomAD 0.00007; TOPMed 0.00012.
gnomAD v4.1: 15 of 1,575,552 alleles (0.00095%); highest among the groups gnomAD compares: Admixed American, 0.015%; no homozygotes.

Submissions (2):

Ambry Genetics
Classification: Uncertain significance. Last evaluated: 2024-01-23. Review status: criteria provided, single submitter. Criteria: Ambry Variant Classification Scheme 2023. Collection method: clinical testing. Allele origin: germline.

PreventionGenetics, part of Exact Sciences
Classification: Uncertain significance for LGI3-related condition. Last evaluated: 2023-05-09. Review status: criteria provided, single submitter. Criteria: ACMG Guidelines, 2015. Collection method: clinical testing. Allele origin: germline.
Comment: The LGI3 c.110C>T variant is predicted to result in the amino acid substitution p.Pro37Leu. To our knowledge, this variant has not been reported in the literature. This variant is reported in 0.0035% of alleles in individuals of Latino descent in gnomAD. At this time, the clinical significance of this variant is uncertain due to the absence of conclusive functional and genetic evidence.